The following is an entry in ClinVar:

NM_000138.5(FBN1):c.551del (p.Gly184fs)

Gene: FBN1 (fibrillin 1; minus strand). Cytogenetic location: 15q21.1.
Variant type: Deletion.
Coding change: c.551del on transcript NM_000138.5 (MANE Select); coding-DNA position 551, one base deleted (G; older notation c.551delG).
Protein change: p.Gly184fs; shifts the reading frame from glycine 184.
Molecular consequence: frameshift variant.
Genome position (GRCh38, 1-based): chr15:48,537,796, C deleted on the plus strand (G on the coding strand, the reverse complement: FBN1 is on the minus strand); the first of 2 consecutive C bases (chr15:48,537,796-48,537,797); deleting either gives the same sequence. VCF-style (leftmost placement, unchanged base first): chr15-48537795-GC-G. GRCh37 (hg19) VCF-style: chr15-48829992-GC-G.
Other names: c.551del, p.Gly184fs (NM_001406716.1, NM_001406717.1); short protein forms G184fs.
Identifiers: ClinVar variation 2945734 (VCV002945734.3), dbSNP rs2505661649, ClinGen allele CA2740096695.

ClinVar aggregate classification (germline): Pathogenic (1 of 4 stars; one submission).

Conditions:
Marfan syndrome (MFS). Also called: MARFAN SYNDROME, TYPE I; Marfan syndrome type 1; Marfan's syndrome; Marfan syndrome, classic; FBN1-Related Marfan Syndrome. Identifiers: Orphanet 284963, Orphanet 558, MedGen C0024796, MONDO:0007947, OMIM 154700.
Familial thoracic aortic aneurysm and aortic dissection (TAAD). Also called: Thoracic aortic aneurysms and dissections. Identifiers: Orphanet 91387, MedGen C4707243, MONDO:0019625.

Submission:

Labcorp Genetics (formerly Invitae), Labcorp
Classification: Pathogenic for Marfan syndrome; Familial thoracic aortic aneurysm and aortic dissection. Last evaluated: 2023-03-24. Review status: criteria provided, single submitter. Criteria: Invitae Variant Classification Sherloc (09022015). Collection method: clinical testing. Allele origin: germline.
Comment: For these reasons, this variant has been classified as Pathogenic. This variant has not been reported in the literature in individuals affected with FBN1-related conditions. This sequence change creates a premature translational stop signal (p.Gly184Alafs*6) in the FBN1 gene. It is expected to result in an absent or disrupted protein product. Loss-of-function variants in FBN1 are known to be pathogenic (PMID: 17657824, 19293843). This variant is not present in population databases (gnomAD no frequency).

Literature cited by the submitters: PubMed 17657824; PubMed 19293843.